The following is an entry in ClinVar:

NM_001029883.3(PCARE):c.403G>A (p.Glu135Lys)

Gene: PCARE (photoreceptor cilium actin regulator; minus strand). Cytogenetic location: 2p23.2.
Variant type: single nucleotide variant.
Coding change: c.403G>A on transcript NM_001029883.3 (MANE Select); coding-DNA position 403, G replaced by A.
Protein change: p.Glu135Lys; replaces glutamic acid 135 with lysine.
Molecular consequence: missense variant.
Genome position (GRCh38, 1-based): chr2:29,073,859, C>T on the plus strand (G>A on the coding strand, the complement: PCARE is on the minus strand). VCF-style: chr2-29073859-C-T. GRCh37 (hg19) VCF-style: chr2-29296725-C-T.
Other names: short protein forms E135K.
Identifiers: ClinVar variation 898032 (VCV000898032.33), dbSNP rs200227182, ClinGen allele CA1592656.

ClinVar aggregate classification (germline): Conflicting classifications of pathogenicity. Review status: criteria provided, conflicting classifications (1 of 4 stars). 7 submissions from 7 submitters: Uncertain significance (4); Likely benign (1). 2 of the submissions do not count toward it. Last evaluated 2026-07-09.

Conditions:
Retinitis pigmentosa (RP). Identifiers: Orphanet 791, MedGen C0035334, MeSH D012174, MONDO:0019200, OMIM 268000. Inheritance: Autosomal dominant, autosomal recessive and X linked inheritance.
PCARE-related disorder. Also called: PCARE-related condition.

Allele frequency attached by ClinVar (database versions not stated): ESP Exome Variant Server 0.00008; gnomAD exomes 0.00021; TOPMed 0.00022; gnomAD 0.00025 and 0.00028; ExAC 0.00026.

Submissions (7):

PreventionGenetics, part of Exact Sciences
Classification: Uncertain significance for PCARE-related condition. Last evaluated: 2026-07-09. Review status: criteria provided, single submitter. Criteria: ACMG Guidelines, 2015. Collection method: clinical testing. Allele origin: germline.
Comment: The PCARE c.403G>A variant is predicted to result in the amino acid substitution p.Glu135Lys. To our knowledge, this variant has not been reported in the literature. This variant is reported in 0.044% of alleles in individuals of European (Non-Finnish) descent in gnomAD. At this time, the clinical significance of this variant is uncertain due to the absence of conclusive functional and genetic evidence.

CeGaT Center for Human Genetics Tuebingen
Classification: Uncertain significance. Last evaluated: 2024-02-01. Review status: criteria provided, single submitter. Criteria: CeGaT Center For Human Genetics Tuebingen Variant Classification Criteria Version 2. Collection method: clinical testing. Allele origin: germline. Affected: yes. Observed: 1 variant allele.
Comment: PCARE: PM2, BP4

Blueprint Genetics
Classification: Likely benign. Last evaluated: 2023-09-15. Review status: criteria provided, single submitter. Criteria: ACMG Guidelines, 2015. Collection method: clinical testing. Allele origin: germline.

Labcorp Genetics (formerly Invitae), Labcorp
Classification: Uncertain significance. Last evaluated: 2022-10-18. Review status: criteria provided, single submitter. Criteria: Invitae Variant Classification Sherloc (09022015). Collection method: clinical testing. Allele origin: germline.
Comment: This sequence change replaces glutamic acid, which is acidic and polar, with lysine, which is basic and polar, at codon 135 of the PCARE protein (p.Glu135Lys). This variant is present in population databases (rs200227182, gnomAD 0.04%). This variant has not been reported in the literature in individuals affected with PCARE-related conditions. ClinVar contains an entry for this variant (Variation ID: 898032). Algorithms developed to predict the effect of missense changes on protein structure and function output the following: SIFT: "Tolerated"; PolyPhen-2: "Benign"; Align-GVGD: "Class C0". The lysine amino acid residue is found in multiple mammalian species, which suggests that this missense change does not adversely affect protein function. In summary, the available evidence is currently insufficient to determine the role of this variant in disease. Therefore, it has been classified as a Variant of Uncertain Significance.

Illumina Laboratory Services, Illumina
Classification: Uncertain significance for Retinitis pigmentosa. Last evaluated: 2017-04-28. Review status: criteria provided, single submitter. Criteria: ICSL Variant Classification Criteria 13 December 2019. Collection method: clinical testing. Allele origin: germline.

Clinical Genetics DNA and cytogenetics Diagnostics Lab, Erasmus MC, Erasmus Medical Center
Classification: Uncertain significance. Review status: no assertion criteria provided. Collection method: clinical testing. Allele origin: germline. Affected: yes. Study: VKGL Data-share Consensus. Not counted in ClinVar's aggregate classification.

Diagnostic Laboratory, Department of Genetics, University Medical Center Groningen
Classification: Uncertain significance. Review status: no assertion criteria provided. Collection method: clinical testing. Allele origin: germline. Affected: yes. Study: VKGL Data-share Consensus. Not counted in ClinVar's aggregate classification.